The following is an entry in ClinVar:

ClinVar aggregate classification (germline): Benign (1 of 4 stars; one submission).

Allele frequency attached by ClinVar (database versions not stated): 1000 Genomes Project 30x 0.08588; 1000 Genomes Project 0.08686; gnomAD 0.14289 and 0.14596; TOPMed 0.14933.
gnomAD v4.1: 21,954 of 152,024 alleles (14%); highest among the groups gnomAD compares: Middle Eastern, 22%; 2,136 homozygotes.

Submission:

GeneDx
Classification: Benign. Last evaluated: 2018-06-14. Review status: criteria provided, single submitter. Criteria: GeneDx Variant Classification (06012015). Collection method: clinical testing. Allele origin: germline. Affected: yes.
Comment: This variant is considered likely benign or benign based on one or more of the following criteria: it is a conservative change, it occurs at a poorly conserved position in the protein, it is predicted to be benign by multiple in silico algorithms, and/or has population frequency not consistent with disease.

NM_015443.4(KANSL1):c.-89-202C>T

Gene: KANSL1 (KAT8 regulatory NSL complex subunit 1). Cytogenetic location: 17q21.31.
Variant type: single nucleotide variant.
Coding change: c.-89-202C>T on transcript NM_015443.4 (MANE Select); 202 bases into the intron before 89 bases upstream of the start codon, C replaced by T.
Molecular consequence: intron variant.
Genome position (GRCh38, 1-based): chr17:46,172,434, G>A on the plus strand (C>T on the coding strand, the complement: KANSL1 is on the minus strand). VCF-style: chr17-46172434-G-A. GRCh37 (hg19) VCF-style: chr17-44249800-G-A.
Other names: c.-89-202C>T (NM_001193465.2, NM_001379198.1, NM_001193466.2).
Identifiers: ClinVar variation 670403 (VCV000670403.1), dbSNP rs2532270, ClinGen allele CA291115546.